The following is an entry in ClinVar:

NC_000004.11:g.(47163487_47322143)_(47408944_47427690)dup

Gene: GABRB1 (gamma-aminobutyric acid type A receptor subunit beta1; plus strand). Cytogenetic location: 4p12.
Variant type: Duplication.
Identifiers: ClinVar variation 4887225 (VCV004887225.1).

ClinVar aggregate classification (germline): Uncertain significance (1 of 4 stars; one submission).

Submission:

Women's Health and Genetics/Laboratory Corporation of America, LabCorp
Classification: Uncertain significance. Last evaluated: 2026-06-15. Review status: criteria provided, single submitter. Criteria: LabCorp Variant Classification Summary - May 2015. Collection method: clinical testing. Allele origin: germline.
Comment: Variant summary: The variant involves the duplication of exons 5-8 in the GABRB1 gene. A presumed nomenclature of c.(461+1_462-1)_(1080+1_1081-1)dup has been designated for the purposes of this classification. It is assumed to be a tandem duplication in direct orientation (PMIDs: 25640679, 30054569). This Copy Number Variant (CNV) is expected to alter the reading frame and predicted to result in a truncation or absence of the encoded protein due to nonsense mediated decay (NMD). The variant was absent in 21694 control chromosomes. The available data on variant occurrences in the general population are insufficient to allow any conclusion about variant significance. To our knowledge, no occurrence of c.(461+1_462-1)_(1080+1_1081-1)dup in individuals affected with GABRB1-related conditions and no experimental evidence demonstrating its impact on protein function have been reported. No submitters have cited clinical-significance assessments for this variant to ClinVar. Based on the evidence outlined above, the variant was classified as uncertain significance.